The following is an entry in ClinVar:

ClinVar aggregate classification (germline): Likely benign (1 of 4 stars; one submission).

Submission:

CeGaT Center for Human Genetics Tuebingen
Classification: Likely benign. Last evaluated: 2026-07-01. Review status: criteria provided, single submitter. Criteria: CeGaT Center For Human Genetics Tuebingen Variant Classification Criteria Version 2. Collection method: clinical testing. Allele origin: germline. Affected: yes. Observed: 1 variant allele.
Comment: NEUROG1: BP4, BP7

NM_006161.3(NEUROG1):c.234G>A (p.Thr78=)

Gene: NEUROG1 (neurogenin 1; minus strand). Cytogenetic location: 5q31.1.
Variant type: single nucleotide variant.
Coding change: c.234G>A on transcript NM_006161.3 (MANE Select); coding-DNA position 234, G replaced by A.
Protein change: p.Thr78=; no amino-acid change (threonine 78 retained).
Molecular consequence: synonymous variant.
Genome position (GRCh38, 1-based): chr5:135,535,457, C>T on the plus strand (G>A on the coding strand, the complement: NEUROG1 is on the minus strand). VCF-style: chr5-135535457-C-T. GRCh37 (hg19) VCF-style: chr5-134871147-C-T.
Identifiers: ClinVar variation 5039507 (VCV005039507.1).